The following is an entry in ClinVar:

ClinVar aggregate classification (germline): Uncertain significance (1 of 4 stars; one submission).

Conditions:
Hereditary cancer-predisposing syndrome. Also called: Tumor predisposition; Hereditary Cancer Syndrome; Neoplastic Syndromes, Hereditary; Hereditary neoplastic syndrome. Identifiers: Orphanet 140162, MedGen C0027672, MeSH D009386, MONDO:0015356.

Submission:

Color Diagnostics, LLC DBA Color Health
Classification: Uncertain significance for Hereditary cancer-predisposing syndrome. Last evaluated: 2025-06-23. Review status: criteria provided, single submitter. Criteria: ACMG Guidelines, 2015. Collection method: clinical testing. Allele origin: germline.
Comment: This missense variant replaces glutamine with histidine at codon 663 of the APC protein. Computational prediction is inconclusive regarding the impact of this variant on protein structure and function. To our knowledge, functional studies have not been reported for this variant. This variant has not been reported in individuals affected with APC-related disorders in the literature. This variant has not been identified in the general population by the Genome Aggregation Database (gnomAD). The available evidence is insufficient to determine the role of this variant in disease conclusively. Therefore, this variant is classified as a Variant of Uncertain Significance.

NM_000038.6(APC):c.1989A>T (p.Gln663His)

Gene: APC (APC regulator of Wnt signaling pathway; plus strand). Cytogenetic location: 5q22.2.
Variant type: single nucleotide variant.
Coding change: c.1989A>T on transcript NM_000038.6 (MANE Select); coding-DNA position 1989, A replaced by T.
Protein change: p.Gln663His; replaces glutamine 663 with histidine.
Molecular consequence: missense variant. On other transcripts: non-coding transcript variant (2).
Genome position (GRCh38, 1-based): chr5:112,837,583, A>T. VCF-style: chr5-112837583-A-T. GRCh37 (hg19) VCF-style: chr5-112173280-A-T.
Other names: c.1989A>T, p.Gln663His (NM_001127510.3, NM_001354895.2, NM_001407450.1); c.1935A>T, p.Gln645His (NM_001127511.3); c.2043A>T, p.Gln681His (NM_001354896.2, NM_001407447.1, NM_001407448.1 and 1 more transcripts); c.2019A>T, p.Gln673His (NM_001354897.2); c.1914A>T, p.Gln638His (NM_001354898.2); c.1905A>T, p.Gln635His (NM_001354899.2); c.1866A>T, p.Gln622His (NM_001354900.2); c.1812A>T, p.Gln604His (NM_001354901.2, NM_001407453.1); and 11 more; short protein forms Q279H, Q380H, Q503H, Q534H, Q537H, Q562H, Q572H, Q580H.
Identifiers: ClinVar variation 4756818 (VCV004756818.1).
Genomic context (GRCh38, chr5:112,837,583, plus strand): 5'-TAATTTTGTGATCTCTTGATTTTATTTCAGGCAAATCCTAAGAGAGAACAACTGTCTACA[A>T]ACTTTATTACAACACTTAAAATCTCATAGTTTGACAATAGTCAGTAATGCATGTGGAACT-3'
Protein context (NP_000029.2, residues 653-673): RQILRENNCL[Gln663His]TLLQHLKSHS